The following is an entry in ClinVar:

ClinVar aggregate classification (germline): Uncertain significance. Review status: criteria provided, multiple submitters, no conflicts (2 of 4 stars). 2 submissions from 2 submitters: Uncertain significance (2). Last evaluated 2023-06-01.

Conditions:
Inborn genetic diseases. Identifiers: MedGen C0950123, MeSH D030342.
Saldino-Mainzer syndrome (SRTD9). Also called: short-rib thoracic dysplasia 9 with or without polydactyly; CONORENAL SYNDROME; Renal dysplasia, retinal pigmentary dystrophy, cerebellar ataxia and skeletal dysplasia; SHORT-RIB THORACIC DYSPLASIA 9 WITHOUT POLYDACTYLY. Identifiers: Orphanet 140969, MedGen C1849437, MONDO:0009964, OMIM 266920.

Allele frequency attached by ClinVar (database versions not stated): gnomAD 0.00001; gnomAD exomes 0.00001.
gnomAD v4.1: 17 of 1,613,804 alleles (0.0011%); highest among the groups gnomAD compares: Admixed American, 0.0017%; no homozygotes.

Submissions (2):

Ambry Genetics
Classification: Uncertain significance for Inborn genetic diseases. Last evaluated: 2023-06-01. Review status: criteria provided, single submitter. Criteria: Ambry Variant Classification Scheme 2023. Collection method: clinical testing. Allele origin: germline.

Labcorp Genetics (formerly Invitae), Labcorp
Classification: Uncertain significance for Saldino-Mainzer syndrome. Last evaluated: 2022-05-22. Review status: criteria provided, single submitter. Criteria: Invitae Variant Classification Sherloc (09022015). Collection method: clinical testing. Allele origin: germline.
Comment: This sequence change replaces glutamic acid, which is acidic and polar, with glutamine, which is neutral and polar, at codon 623 of the IFT140 protein (p.Glu623Gln). This variant is present in population databases (no rsID available, gnomAD 0.007%). This variant has not been reported in the literature in individuals affected with IFT140-related conditions. Algorithms developed to predict the effect of missense changes on protein structure and function output the following: SIFT: "Tolerated"; PolyPhen-2: "Benign"; Align-GVGD: "Class C0". The glutamine amino acid residue is found in multiple mammalian species, which suggests that this missense change does not adversely affect protein function. In summary, the available evidence is currently insufficient to determine the role of this variant in disease. Therefore, it has been classified as a Variant of Uncertain Significance.

NM_014714.4(IFT140):c.1867G>C (p.Glu623Gln)

Gene: IFT140 (intraflagellar transport 140; minus strand). Cytogenetic location: 16p13.3.
Variant type: single nucleotide variant.
Coding change: c.1867G>C on transcript NM_014714.4 (MANE Select); coding-DNA position 1867, G replaced by C.
Protein change: p.Glu623Gln; replaces glutamic acid 623 with glutamine.
Molecular consequence: missense variant.
Genome position (GRCh38, 1-based): chr16:1,566,195, C>G on the plus strand (G>C on the coding strand, the complement: IFT140 is on the minus strand). VCF-style: chr16-1566195-C-G. GRCh37 (hg19) VCF-style: chr16-1616196-C-G.
Other names: c.1867G>C (NM_014714.3); short protein forms E623Q.
Identifiers: ClinVar variation 2172140 (VCV002172140.3), dbSNP rs1321057610, ClinGen allele CA394205906.